The following is an entry in ClinVar:

NM_001846.4(COL4A2):c.5032A>G (p.Thr1678Ala)

Gene: COL4A2 (collagen type IV alpha 2 chain; plus strand). Cytogenetic location: 13q34.
Variant type: single nucleotide variant.
Coding change: c.5032A>G on transcript NM_001846.4 (MANE Select); coding-DNA position 5032, A replaced by G.
Protein change: p.Thr1678Ala; replaces threonine 1678 with alanine.
Molecular consequence: missense variant.
Genome position (GRCh38, 1-based): chr13:110,512,084, A>G. VCF-style: chr13-110512084-A-G. GRCh37 (hg19) VCF-style: chr13-111164431-A-G.
Other names: short protein forms T1678A.
Identifiers: ClinVar variation 2883039 (VCV002883039.4), dbSNP rs1352195646, ClinGen allele CA388744384.
Genomic context (GRCh38, chr13:110,512,084, plus strand): 5'-TGCAATGGAGGCCGCGGCACCTGCCACTACTACGCCAACAAGTACAGCTTCTGGCTGACC[A>G]CCATTCCCGAGCAGAGCTTCCAGGGCTCGCCCTCCGCCGACACGCTCAAGGCCGGCCTCA-3'
Protein context (NP_001837.2, residues 1668-1688): YANKYSFWLT[Thr1678Ala]IPEQSFQGSP

ClinVar aggregate classification (germline): Uncertain significance. Review status: criteria provided, multiple submitters, no conflicts (2 of 4 stars). 2 submissions from 2 submitters: Uncertain significance (2). Last evaluated 2024-04-04.

Conditions:
Hemorrhage, intracerebral, susceptibility to (ICH). Also called: Stroke, hemorrhagic, susceptibility to. Identifiers: MedGen C3281105, MONDO:0100533, OMIM 614519.

Allele frequency attached by ClinVar (database versions not stated): gnomAD exomes 0.00001; TOPMed 0.00001; gnomAD 0.00002.
gnomAD v4.1: 12 of 1,613,602 alleles (0.00074%); highest among the groups gnomAD compares: African/African-American, 0.0013%; no homozygotes.

Submissions (2):

Genomic Medicine Center of Excellence, King Faisal Specialist Hospital and Research Centre
Classification: Uncertain significance for Hemorrhage, intracerebral, susceptibility to. Last evaluated: 2024-04-04. Review status: criteria provided, single submitter. Criteria: ACMG Guidelines, 2015. Collection method: clinical testing. Allele origin: germline.

Labcorp Genetics (formerly Invitae), Labcorp
Classification: Uncertain significance. Last evaluated: 2023-01-19. Review status: criteria provided, single submitter. Criteria: Invitae Variant Classification Sherloc (09022015). Collection method: clinical testing. Allele origin: germline.
Comment: This variant has not been reported in the literature in individuals affected with COL4A2-related conditions. This variant is present in population databases (no rsID available, gnomAD 0.01%). This sequence change replaces threonine, which is neutral and polar, with alanine, which is neutral and non-polar, at codon 1678 of the COL4A2 protein (p.Thr1678Ala). Advanced modeling of protein sequence and biophysical properties (such as structural, functional, and spatial information, amino acid conservation, physicochemical variation, residue mobility, and thermodynamic stability) performed at Invitae indicates that this missense variant is not expected to disrupt COL4A2 protein function. In summary, the available evidence is currently insufficient to determine the role of this variant in disease. Therefore, it has been classified as a Variant of Uncertain Significance.